The following is an entry in ClinVar:

NM_033026.6(PCLO):c.6192C>G (p.Ala2064=)

Gene: PCLO (piccolo presynaptic cytomatrix protein; minus strand). Cytogenetic location: 7q21.11.
Variant type: single nucleotide variant.
Coding change: c.6192C>G on transcript NM_033026.6 (MANE Select); coding-DNA position 6192, C replaced by G.
Protein change: p.Ala2064=; no amino-acid change (alanine 2064 retained).
Molecular consequence: synonymous variant.
Genome position (GRCh38, 1-based): chr7:82,954,761, G>C on the plus strand (C>G on the coding strand, the complement: PCLO is on the minus strand). VCF-style: chr7-82954761-G-C. GRCh37 (hg19) VCF-style: chr7-82584077-G-C.
Other names: c.6192C>G, p.Ala2064= (NM_014510.3).
Identifiers: ClinVar variation 1634116 (VCV001634116.32), dbSNP rs186456492, ClinGen allele CA4320519.

ClinVar aggregate classification (germline): Likely benign. Review status: criteria provided, multiple submitters, no conflicts (2 of 4 stars). 2 submissions from 2 submitters: Likely benign (2). Last evaluated 2026-02-03.

Allele frequency attached by ClinVar (database versions not stated): gnomAD exomes 0.00004 and 0.00013; ExAC 0.00016; ESP Exome Variant Server 0.00033; gnomAD 0.00046 and 0.00048; TOPMed 0.00049; 1000 Genomes Project 0.00120; 1000 Genomes Project 30x 0.00141.
gnomAD v4.1: 134 of 1,613,748 alleles (0.0083%); highest among the groups gnomAD compares: African/African-American, 0.15%; no homozygotes.

Submissions (2):

Labcorp Genetics (formerly Invitae), Labcorp
Classification: Likely benign. Last evaluated: 2026-02-03. Review status: criteria provided, single submitter. Criteria: Invitae Variant Classification Sherloc (09022015). Collection method: clinical testing. Allele origin: germline.

CeGaT Center for Human Genetics Tuebingen
Classification: Likely benign. Last evaluated: 2023-05-01. Review status: criteria provided, single submitter. Criteria: CeGaT Center For Human Genetics Tuebingen Variant Classification Criteria Version 2. Collection method: clinical testing. Allele origin: germline. Affected: yes. Observed: 1 variant allele.
Comment: PCLO: BP4, BP7